The following is an entry in ClinVar:

NM_001273.5(CHD4):c.446A>T (p.Lys149Ile)

Gene: CHD4 (chromodomain helicase DNA binding protein 4; minus strand). Cytogenetic location: 12p13.31.
Variant type: single nucleotide variant.
Coding change: c.446A>T on transcript NM_001273.5 (MANE Select); coding-DNA position 446, A replaced by T.
Protein change: p.Lys149Ile; replaces lysine 149 with isoleucine.
Molecular consequence: missense variant.
Genome position (GRCh38, 1-based): chr12:6,601,759, T>A on the plus strand (A>T on the coding strand, the complement: CHD4 is on the minus strand). VCF-style: chr12-6601759-T-A. GRCh37 (hg19) VCF-style: chr12-6710925-T-A.
Other names: c.425A>T, p.Lys142Ile (NM_001297553.2); c.446A>T, p.Lys149Ile (NM_001363606.2); short protein forms K142I, K149I.
Identifiers: ClinVar variation 1030329 (VCV001030329.1), dbSNP rs1948594914, ClinGen allele CA383604264.

ClinVar aggregate classification (germline): Uncertain significance (1 of 4 stars; one submission).

Conditions:
Sifrim-Hitz-Weiss syndrome (SIHIWES). Also called: CHD4 Neurodevelopmental Disorder; SIFRIM-HITZ-WEISS MULTIPLE CONGENITAL ANOMALIES-MENTAL RETARDATION SYNDROME. Identifiers: Orphanet 653712, MedGen C4310688, MONDO:0014946, OMIM 617159.

Submission:

Baylor Genetics
Classification: Uncertain significance for Sifrim-Hitz-Weiss syndrome. Last evaluated: 2020-06-03. Review status: criteria provided, single submitter. Criteria: ACMG Guidelines, 2015. Collection method: clinical testing. Allele origin: unknown. Affected: yes.
Comment: This variant was determined to be of uncertain significance according to ACMG Guidelines, 2015 [PMID:25741868].